The following is an entry in ClinVar:

NM_006363.6(SEC23B):c.762G>A (p.Trp254Ter)

Gene: SEC23B (SEC23 homolog B, COPII component; plus strand). Cytogenetic location: 20p11.23.
Variant type: single nucleotide variant.
Coding change: c.762G>A on transcript NM_006363.6 (MANE Select); coding-DNA position 762, G replaced by A.
Protein change: p.Trp254Ter; replaces tryptophan 254 with a stop codon.
Molecular consequence: nonsense.
Genome position (GRCh38, 1-based): chr20:18,525,860, G>A. VCF-style: chr20-18525860-G-A. GRCh37 (hg19) VCF-style: chr20-18506504-G-A.
Other names: c.762G>A, p.Trp254Ter (NM_001172745.3, NM_032985.6, NM_032986.5); c.708G>A, p.Trp236Ter (NM_001172746.3); short protein forms W254*, W236*.
Identifiers: ClinVar variation 2930623 (VCV002930623.4), dbSNP rs2517473808, ClinGen allele CA408359868.

ClinVar aggregate classification (germline): Pathogenic/Likely pathogenic. Review status: criteria provided, multiple submitters, no conflicts (2 of 4 stars). 2 submissions from 2 submitters: Pathogenic (1); Likely pathogenic (1). Last evaluated 2024-01-31.

Conditions:
Congenital dyserythropoietic anemia, type II (CDAN2). Also called: DYSERYTHROPOIETIC ANEMIA, HEMPAS TYPE. Identifiers: Orphanet 98873, MedGen C1306589, MONDO:0009134, OMIM 224100.
Cowden syndrome 7 (CWS7). Identifiers: Orphanet 201, MedGen C4225179, MONDO:0014802, OMIM 616858.

Allele frequency attached by ClinVar (database versions not stated): gnomAD exomes below 0.00001.
gnomAD v4.1: 2 of 1,614,152 alleles (0.00012%); highest among the groups gnomAD compares: South Asian, 0.0011%; no homozygotes.

Submissions (2):

Labcorp Genetics (formerly Invitae), Labcorp
Classification: Pathogenic for Congenital dyserythropoietic anemia, type II; Cowden syndrome 7. Last evaluated: 2024-01-31. Review status: criteria provided, single submitter. Criteria: Invitae Variant Classification Sherloc (09022015). Collection method: clinical testing. Allele origin: germline.
Comment: This sequence change creates a premature translational stop signal (p.Trp254*) in the SEC23B gene. It is expected to result in an absent or disrupted protein product. Loss-of-function variants in SEC23B are known to be pathogenic (PMID: 19561605, 25044164). This variant is not present in population databases (gnomAD no frequency). This variant has not been reported in the literature in individuals affected with SEC23B-related conditions. For these reasons, this variant has been classified as Pathogenic.

Fulgent Genetics
Classification: Likely pathogenic for Congenital dyserythropoietic anemia, type II; Cowden syndrome 7. Last evaluated: 2024-01-09. Review status: criteria provided, single submitter. Criteria: ACMG Guidelines, 2015. Collection method: clinical testing. Allele origin: germline.

Literature cited by the submitters: PubMed 19561605 (cited by Labcorp Genetics (formerly Invitae), Labcorp); PubMed 25044164 (cited by Labcorp Genetics (formerly Invitae), Labcorp).